The following is an entry in ClinVar:

NM_000158.4(GBE1):c.599A>G (p.Tyr200Cys)

Gene: GBE1 (1,4-alpha-glucan branching enzyme 1; minus strand). Cytogenetic location: 3p12.2.
Variant type: single nucleotide variant.
Coding change: c.599A>G on transcript NM_000158.4 (MANE Select); coding-DNA position 599, A replaced by G.
Protein change: p.Tyr200Cys; replaces tyrosine 200 with cysteine.
Molecular consequence: missense variant.
Genome position (GRCh38, 1-based): chr3:81,648,948, T>C on the plus strand (A>G on the coding strand, the complement: GBE1 is on the minus strand). VCF-style: chr3-81648948-T-C. GRCh37 (hg19) VCF-style: chr3-81698099-T-C.
Other names: short protein forms Y200C.
Identifiers: ClinVar variation 2163988 (VCV002163988.1), dbSNP rs2471826415, ClinGen allele CA353688412.

ClinVar aggregate classification (germline): Uncertain significance (1 of 4 stars; one submission).

Conditions:
Glycogen storage disease IV, classic hepatic. Also called: GSD IV, CLASSIC HEPATIC. Identifiers: MedGen C1856301.
Glycogen storage disease, type IV (GSD4). Also called: BRANCHER DEFICIENCY; CIRRHOSIS, FAMILIAL, WITH DEPOSITION OF ABNORMAL GLYCOGEN; AMYLOPECTINOSIS; ANDERSEN DISEASE; Glycogen storage disease due to glycogen branching enzyme deficiency; GBE1 DEFICIENCY. Identifiers: Orphanet 367, MedGen C0017923, MONDO:0009292, OMIM 232500.

Submission:

Labcorp Genetics (formerly Invitae), Labcorp
Classification: Uncertain significance for Glycogen storage disease, type IV; Glycogen storage disease IV, classic hepatic. Last evaluated: 2022-03-20. Review status: criteria provided, single submitter. Criteria: Invitae Variant Classification Sherloc (09022015). Collection method: clinical testing. Allele origin: germline.
Comment: This sequence change replaces tyrosine, which is neutral and polar, with cysteine, which is neutral and slightly polar, at codon 200 of the GBE1 protein (p.Tyr200Cys). This variant is not present in population databases (gnomAD no frequency). This variant has not been reported in the literature in individuals affected with GBE1-related conditions. Advanced modeling of protein sequence and biophysical properties (such as structural, functional, and spatial information, amino acid conservation, physicochemical variation, residue mobility, and thermodynamic stability) performed at Invitae indicates that this missense variant is expected to disrupt GBE1 protein function. In summary, the available evidence is currently insufficient to determine the role of this variant in disease. Therefore, it has been classified as a Variant of Uncertain Significance.